The following is an entry in ClinVar:

NM_001204.7(BMPR2):c.427C>T (p.His143Tyr)

Gene: BMPR2 (bone morphogenetic protein receptor type 2; plus strand). Cytogenetic location: 2q33.2.
Variant type: single nucleotide variant.
Coding change: c.427C>T on transcript NM_001204.7 (MANE Select); coding-DNA position 427, C replaced by T.
Protein change: p.His143Tyr; replaces histidine 143 with tyrosine.
Molecular consequence: missense variant.
Genome position (GRCh38, 1-based): chr2:202,513,727, C>T. VCF-style: chr2-202513727-C-T. GRCh37 (hg19) VCF-style: chr2-203378450-C-T.
Other names: short protein forms H143Y.
Identifiers: ClinVar variation 4824914 (VCV004824914.1).

ClinVar aggregate classification (germline): Uncertain significance (1 of 4 stars; one submission).

Conditions:
Inborn genetic diseases. Identifiers: MedGen C0950123, MeSH D030342.

Submission:

Ambry Genetics
Classification: Uncertain significance for Inborn genetic diseases. Last evaluated: 2026-01-24. Review status: criteria provided, single submitter. Criteria: Ambry Variant Classification Scheme 2023. Collection method: clinical testing. Allele origin: germline.
Comment: The p.H143Y variant (also known as c.427C>T), located in coding exon 4 of the BMPR2 gene, results from a C to T substitution at nucleotide position 427. The histidine at codon 143 is replaced by tyrosine, an amino acid with similar properties. This amino acid position is conserved. In addition, the in silico prediction for this alteration is inconclusive. Based on the available evidence, the clinical significance of this variant remains unclear.